The following is an entry in ClinVar:

ClinVar aggregate classification (germline): Likely benign. Review status: criteria provided, multiple submitters, no conflicts (2 of 4 stars). 3 submissions from 3 submitters: Likely benign (3). Last evaluated 2026-01-27.

Conditions:
RYR1-related disorder. Also called: RYR1-related disorders; RYR1-related condition. Identifiers: MedGen CN239331.

Allele frequency attached by ClinVar (database versions not stated): ExAC 0.00007; gnomAD 0.00007 and 0.00008; gnomAD exomes 0.00008 and 0.00016; TOPMed 0.00008.

Submissions (3):

Labcorp Genetics (formerly Invitae), Labcorp
Classification: Likely benign for RYR1-related disorder. Last evaluated: 2026-01-27. Review status: criteria provided, single submitter. Criteria: Invitae Variant Classification Sherloc (09022015). Collection method: clinical testing. Allele origin: germline.

GeneDx
Classification: Likely benign. Last evaluated: 2017-12-18. Review status: criteria provided, single submitter. Criteria: GeneDx Variant Classification (06012015). Collection method: clinical testing. Allele origin: germline. Affected: yes.
Comment: This variant is considered likely benign or benign based on one or more of the following criteria: it is a conservative change, it occurs at a poorly conserved position in the protein, it is predicted to be benign by multiple in silico algorithms, and/or has population frequency not consistent with disease.

PreventionGenetics, part of Exact Sciences
Classification: Likely benign. Review status: criteria provided, single submitter. Criteria: ACMG Guidelines, 2015. Collection method: clinical testing. Allele origin: germline.

NM_000540.3(RYR1):c.4455-17del

Gene: RYR1 (ryanodine receptor 1; plus strand). Cytogenetic location: 19q13.2.
Variant type: Deletion.
Coding change: c.4455-17del on transcript NM_000540.3 (MANE Select); 17 bases into the intron before coding-DNA position 4455, one base deleted (G; older notation c.4455-17delG).
Molecular consequence: intron variant.
Genome position (GRCh38, 1-based): chr19:38,478,418, G deleted. VCF-style (leftmost placement, unchanged base first): chr19-38478417-CG-C. GRCh37 (hg19) VCF-style: chr19-38969057-CG-C.
Other names: c.4455-17delG (NM_000540.2); c.4455-17del (NM_001042723.2).
Identifiers: ClinVar variation 256508 (VCV000256508.10), dbSNP rs766608487, ClinGen allele CA9415802.